The following is an entry in ClinVar:

NM_017617.5(NOTCH1):c.2646A>T (p.Ala882=)

Gene: NOTCH1 (notch receptor 1; minus strand). Cytogenetic location: 9q34.3.
Variant type: single nucleotide variant.
Coding change: c.2646A>T on transcript NM_017617.5 (MANE Select); coding-DNA position 2646, A replaced by T.
Protein change: p.Ala882=; no amino-acid change (alanine 882 retained).
Molecular consequence: synonymous variant.
Genome position (GRCh38, 1-based): chr9:136,510,747, T>A on the plus strand (A>T on the coding strand, the complement: NOTCH1 is on the minus strand). VCF-style: chr9-136510747-T-A. GRCh37 (hg19) VCF-style: chr9-139405199-T-A.
Other names: c.2646A>T, p.Ala882= (LRG_1122t1); c.2646A>T (NM_017617.4).
Identifiers: ClinVar variation 477902 (VCV000477902.22), dbSNP rs61751550, ClinGen allele CA5341211.

ClinVar aggregate classification (germline): Benign/Likely benign. Review status: criteria provided, multiple submitters, no conflicts (2 of 4 stars). 9 submissions from 8 submitters: Benign (7); Likely benign (2). Last evaluated 2026-02-01.

Conditions:
Familial thoracic aortic aneurysm and aortic dissection (TAAD). Also called: Thoracic aortic aneurysms and dissections. Identifiers: Orphanet 91387, MedGen C4707243, MONDO:0019625.
Aortic valve disease 1 (AOVD1). Identifiers: MedGen C3887892, MONDO:0024523, OMIM 109730.
Adams-Oliver syndrome 5 (AOS5). Identifiers: Orphanet 974, MedGen C4014970, MONDO:0014459, OMIM 616028.

Allele frequency attached by ClinVar (database versions not stated): gnomAD 0.00038 and 0.00058; TOPMed 0.00074; ExAC 0.00109; gnomAD exomes 0.00130; 1000 Genomes Project 30x 0.00250; 1000 Genomes Project 0.00300.
gnomAD v4.1: 535 of 1,610,750 alleles (0.033%); highest among the groups gnomAD compares: East Asian, 1%; 5 homozygotes.

Submissions (9):

Labcorp Genetics (formerly Invitae), Labcorp
Classification: Benign for Adams-Oliver syndrome 5. Last evaluated: 2026-02-01. Review status: criteria provided, single submitter. Criteria: Invitae Variant Classification Sherloc (09022015). Collection method: clinical testing. Allele origin: germline.

Blueprint Genetics
Classification: Likely benign. Last evaluated: 2024-11-26. Review status: criteria provided, single submitter. Criteria: ACMG Guidelines, 2015. Collection method: clinical testing. Allele origin: germline.

Women's Health and Genetics/Laboratory Corporation of America, LabCorp
Classification: Benign. Last evaluated: 2023-07-29. Review status: criteria provided, single submitter. Criteria: LabCorp Variant Classification Summary - May 2015. Collection method: clinical testing. Allele origin: germline.

ARUP Laboratories, Molecular Genetics and Genomics, ARUP Laboratories
Classification: Benign. Last evaluated: 2023-06-01. Review status: criteria provided, single submitter. Criteria: ARUP Molecular Germline Variant Investigation Process 2024. Collection method: clinical testing. Allele origin: germline.

Genome-Nilou Lab
Classification: Benign for Adams-Oliver syndrome 5. Last evaluated: 2022-03-15. Review status: criteria provided, single submitter. Criteria: ACMG Guidelines, 2015. Collection method: clinical testing. Allele origin: germline. Affected: no.

Genome-Nilou Lab
Classification: Benign for Aortic valve disease 1. Last evaluated: 2022-03-15. Review status: criteria provided, single submitter. Criteria: ACMG Guidelines, 2015. Collection method: clinical testing. Allele origin: germline. Affected: no.

Ambry Genetics
Classification: Benign for Familial thoracic aortic aneurysm and aortic dissection. Last evaluated: 2017-08-10. Review status: criteria provided, single submitter. Criteria: Ambry Variant Classification Scheme 2023. Collection method: clinical testing. Allele origin: germline.

GeneDx
Classification: Benign. Last evaluated: 2017-04-11. Review status: criteria provided, single submitter. Criteria: GeneDx Variant Classification (06012015). Collection method: clinical testing. Allele origin: germline. Affected: yes.
Comment: This variant is considered likely benign or benign based on one or more of the following criteria: it is a conservative change, it occurs at a poorly conserved position in the protein, it is predicted to be benign by multiple in silico algorithms, and/or has population frequency not consistent with disease.

CHEO Genetics Diagnostic Laboratory, Children's Hospital of Eastern Ontario
Classification: Likely benign for Familial thoracic aortic aneurysm and aortic dissection. Last evaluated: 2016-02-02. Review status: criteria provided, single submitter. Criteria: ACMG Guidelines, 2015. Collection method: clinical testing. Allele origin: germline. Study: Canadian Open Genetics Repository.

Literature cited by the submitters: PubMed 24943832 (cited by Women's Health and Genetics/Laboratory Corporation of America, LabCorp); PubMed 16614245 (cited by Women's Health and Genetics/Laboratory Corporation of America, LabCorp); PubMed 21670202 (cited by Women's Health and Genetics/Laboratory Corporation of America, LabCorp); PubMed 22210878 (cited by Women's Health and Genetics/Laboratory Corporation of America, LabCorp); PubMed 19635999 (cited by Women's Health and Genetics/Laboratory Corporation of America, LabCorp); PubMed 26837699 (cited by Women's Health and Genetics/Laboratory Corporation of America, LabCorp); PubMed 23086750 (cited by Women's Health and Genetics/Laboratory Corporation of America, LabCorp); PubMed 19245433 (cited by Women's Health and Genetics/Laboratory Corporation of America, LabCorp); PubMed 22077063 (cited by Women's Health and Genetics/Laboratory Corporation of America, LabCorp); PubMed 15472075 (cited by Women's Health and Genetics/Laboratory Corporation of America, LabCorp); PubMed 23734977 (cited by Women's Health and Genetics/Laboratory Corporation of America, LabCorp); PubMed 22858860 (cited by Women's Health and Genetics/Laboratory Corporation of America, LabCorp).